The following is an entry in ClinVar:

ClinVar aggregate classification (germline): Conflicting classifications of pathogenicity. Review status: criteria provided, conflicting classifications (1 of 4 stars). 6 submissions from 6 submitters: Uncertain significance (4); Likely benign (2). Last evaluated 2025-08-24.

Conditions:
Hereditary cancer-predisposing syndrome. Also called: Hereditary Cancer Syndrome; Hereditary neoplastic syndrome; Neoplastic Syndromes, Hereditary; Tumor predisposition. Identifiers: Orphanet 140162, MedGen C0027672, MeSH D009386, MONDO:0015356.
Hereditary breast ovarian cancer syndrome. Also called: BRCA1- and BRCA2-Associated Hereditary Breast and Ovarian Cancer; Hereditary breast and ovarian cancer syndrome (HBOC); Hereditary breast and ovarian cancer syndrome; Breast and ovarian cancer; Hereditary breast and ovarian cancer; Hereditary breast and/or ovarian cancer syndrome. Identifiers: Orphanet 145, MedGen C0677776, MeSH D061325, MONDO:0003582. Disease mechanism: loss of function.
Breast-ovarian cancer, familial, susceptibility to, 1 (BROVCA1). Also called: OVARIAN CANCER, SUSCEPTIBILITY TO; BRCA1 Hereditary Breast and Ovarian Cancer. Identifiers: Orphanet 145, MedGen C2676676, MONDO:0011450, OMIM 604370. Disease mechanism: loss of function.

gnomAD v4.1: 1 of 1,613,622 alleles (0.000062%); highest among the groups gnomAD compares: Non-Finnish European, 0.000085%; no homozygotes.

Submissions (7):

Labcorp Genetics (formerly Invitae), Labcorp
Classification: Uncertain significance for Hereditary breast ovarian cancer syndrome. Last evaluated: 2025-08-24. Review status: criteria provided, single submitter. Criteria: Invitae Variant Classification Sherloc (09022015). Collection method: clinical testing. Allele origin: germline.
Comment: This sequence change replaces threonine, which is neutral and polar, with serine, which is neutral and polar, at codon 1675 of the BRCA1 protein (p.Thr1675Ser). This variant is not present in population databases (gnomAD no frequency). This missense change has been observed in individual(s) with breast cancer (PMID: 21593597). ClinVar contains an entry for this variant (Variation ID: 825381). Invitae Evidence Modeling incorporating data from in vitro experimental studies (PMID: 30209399) indicates that this missense variant is not expected to disrupt BRCA1 function with a negative predictive value of 95%. Experimental studies have shown that this missense change does not substantially affect BRCA1 function (PMID: 30209399). In summary, the available evidence is currently insufficient to determine the role of this variant in disease. Therefore, it has been classified as a Variant of Uncertain Significance.

Lupski Lab, Baylor-Hopkins CMG, Baylor College of Medicine
Classification: Likely benign for Breast-ovarian cancer, familial, susceptibility to, 1. Last evaluated: 2024-04-12. Review status: criteria provided, single submitter. Criteria: Dawood et al. (medRxiv. 2024). Collection method: curation. Allele origin: germline.
Comment: Each variant was annotated with functional scores from MAVE data which was translated into functional evidence codes. All other evidence codes and combining criteria were adhered to as closely as possible based on the ClinGen VCEP (Variant Curation Expert Panel) gene-specific recommendations. See Supplemental Figure 34 of final paper (Supp Fig. 28 in preprint: doi:10.1101/2024.04.11.24305690) for a table to see which lines of evidence we did not have data for. The ClinGen VCEPs are highly regarded as the gold-standard for gene-specific variant curation and are developed after extensive evaluation of the evidence by clinical and scientific experts for the particular gene to classify genomic variants on a spectrum from pathogenic to benign using the 2015 ACMG/AMP Variant Interpretation Guidelines as a backbone (PMID: 25741868). Reclassification of these VUS variants from gnomAD or All of Us focused only on variants originally prescribed as VUS in ClinVar. To ensure reproducibility, transparency, and increased throughput, all the procedures for annotating variants and assigning evidence codes were codified using Python. All code has been made freely available and is linked in the Code Availability section and all reclassified variants with evidence codes used can be found in Tables S18-19 (preprint: doi:10.1101/2024.04.11.24305690). For the MAVE data, the clinical curation and clinical strength assignment as per the ClinGen recommendations in Brnich et al. (2020) (PMID: 31892348) for or against pathogenicity or benignity of each of these MAVE datasets utilized in this study were previously published in Fayer et al. (2021) (PMID: 34793697).In brief, for BRCA1 variants, if a variant was categorized as FUNC (functional), it was assigned BS3 evidence and no PS3 evidence, whereas if it was categorized as LOF (loss of function), the variant was assigned PS3 evidence and no BS3 evidence. Variants categorized as INT (intermediate) were left unannotated. For the BRCA1 combining criteria, greater than or equal to 1 criteria of strong benign evidence was enough to reclassify the VUS as Likely Benign. This variant GRCh38:17:43067659:T>A was assigned evidence codes ['BS3', 'BP4'] and an overall classification of Likely benign

All of Us Research Program, National Institutes of Health
Classification: Uncertain significance for Breast-ovarian cancer, familial, susceptibility to, 1. Last evaluated: 2023-05-04. Review status: criteria provided, single submitter. Criteria: ACMG Guidelines, 2015. Collection method: clinical testing. Allele origin: germline. Inheritance: Autosomal dominant inheritance. Observed: 1 variant allele, 1 heterozygote.
Comment: This missense variant replaces threonine with serine at codon 1675 of the BRCA1 protein. Computational prediction is inconclusive regarding the impact of this variant on protein structure and function (internally defined REVEL score threshold 0.5 < inconclusive < 0.7, PMID: 27666373). A functional study has reported that this variant does not impact BRCA1 function in a haploid human cell proliferation assay (PMID: 30209399). This variant has been reported in at least two individuals affected with breast cancer (PMID: 21593597) and detected in a breast cancer case-control meta-analysis in 1/60463 cases and 0/53461 unaffected individuals (PMID: 33471991; Leiden Open Variation Database DB-ID BRCA1_006177). This variant has not been identified in the general population by the Genome Aggregation Database (gnomAD). The available evidence is insufficient to determine the role of this variant in disease conclusively. Therefore, this variant is classified as a Variant of Uncertain Significance.

This study involves interpretation of variants in research participants for the purpose of population health screening. Participant phenotype was not available at the time of variant classification. Additional details can be found in publication PMID: 35346344, PMCID: PMC8962531

Color Diagnostics, LLC DBA Color Health
Classification: Uncertain significance for Hereditary cancer-predisposing syndrome. Last evaluated: 2023-03-31. Review status: criteria provided, single submitter. Criteria: ACMG Guidelines, 2015. Collection method: clinical testing. Allele origin: germline.
Comment: This missense variant replaces threonine with serine at codon 1675 of the BRCA1 protein. Computational prediction is inconclusive regarding the impact of this variant on protein structure and function (internally defined REVEL score threshold 0.5 < inconclusive < 0.7, PMID: 27666373). A functional study has reported that this variant does not impact BRCA1 function in a haploid human cell proliferation assay (PMID: 30209399). This variant has been reported in at least two individuals affected with breast cancer (PMID: 21593597) and detected in a breast cancer case-control meta-analysis in 1/60466 cases and 0/53461 unaffected individuals (PMID: 33471991; Leiden Open Variation Database DB-ID BRCA1_006177). This variant has not been identified in the general population by the Genome Aggregation Database (gnomAD). The available evidence is insufficient to determine the role of this variant in disease conclusively. Therefore, this variant is classified as a Variant of Uncertain Significance.

GeneDx
Classification: Uncertain significance. Last evaluated: 2023-02-28. Review status: criteria provided, single submitter. Criteria: GeneDx Variant Classification Process June 2021. Collection method: clinical testing. Allele origin: germline. Affected: yes.
Comment: Published functional studies demonstrate no damaging effect: variant classified as functional based on a saturation genome editing (SGE) assay measuring cell survival (Findlay et al., 2018); Not observed at significant frequency in large population cohorts (gnomAD); Observed in individuals with breast cancer (Stefansson et al., 2011); In silico analysis supports that this missense variant does not alter protein structure/function; Also known as 5142A>T; This variant is associated with the following publications: (PMID: 21593597, 30209399, 25348405, 29884841, 32377563)

Ambry Genetics
Classification: Likely benign for Hereditary cancer-predisposing syndrome. Last evaluated: 2021-08-13. Review status: criteria provided, single submitter. Criteria: Ambry Variant Classification Scheme 2023. Collection method: clinical testing. Allele origin: germline.

Brotman Baty Institute, University of Washington
No classification provided (evidence only). Condition: Breast-ovarian cancer, familial 1. Review status: no classification provided. Collection method: in vitro. Allele origin: not applicable. Functional consequence: functionally_normal. Not counted in ClinVar's aggregate classification.
ClinVar note: "not provided" was previously submitted as the classification for the variant. However, the classification appeared to be based only on an observation of functional data so it was converted to no classification on 2025-07-30.

Literature cited by the submitters: PubMed 21593597 (cited by 3 submitters); PubMed 30209399 (cited by 4 submitters); PubMed 39142283 (cited by Lupski Lab, Baylor-Hopkins CMG, Baylor College of Medicine); PubMed 34793697 (cited by Lupski Lab, Baylor-Hopkins CMG, Baylor College of Medicine); DOI 10.1101/2024.04.11.24305690 (cited by Lupski Lab, Baylor-Hopkins CMG, Baylor College of Medicine); PubMed 33471991 (cited by All of Us Research Program, National Institutes of Health and Color Diagnostics, LLC DBA Color Health).

NM_007294.4(BRCA1):c.5023A>T (p.Thr1675Ser)

Gene: BRCA1 (BRCA1 DNA repair associated; minus strand). Cytogenetic location: 17q21.31.
Variant type: single nucleotide variant.
Coding change: c.5023A>T on transcript NM_007294.4 (MANE Select); coding-DNA position 5023, A replaced by T.
Protein change: p.Thr1675Ser; replaces threonine 1675 with serine.
Molecular consequence: missense variant. On other transcripts: non-coding transcript variant (1).
Genome position (GRCh38, 1-based): chr17:43,067,659, T>A on the plus strand (A>T on the coding strand, the complement: BRCA1 is on the minus strand). VCF-style: chr17-43067659-T-A. GRCh37 (hg19) VCF-style: chr17-41219676-T-A.
Other names: c.4810A>T, p.Thr1604Ser (NM_001407571.1, NM_001407895.1, NM_001407896.1 and 12 more transcripts); c.5089A>T, p.Thr1697Ser (NM_001407581.1, NM_001407582.1); c.5086A>T, p.Thr1696Ser (NM_001407583.1, NM_001407585.1, NM_001407587.1 and 1 more transcripts); c.5083A>T, p.Thr1695Ser (NM_001407590.1, NM_001407591.1); c.5023A>T, p.Thr1675Ser (NM_001407593.1, NM_001407594.1, NM_001407596.1 and 8 more transcripts); c.5020A>T, p.Thr1674Ser (NM_001407610.1, NM_001407611.1, NM_001407612.1 and 17 more transcripts); c.5017A>T, p.Thr1673Ser (NM_001407627.1, NM_001407628.1, NM_001407629.1 and 14 more transcripts); c.5014A>T, p.Thr1672Ser (NM_001407644.1, NM_001407645.1); and 70 more; short protein forms T1628S, T1696S, T1675S, T571S, T1379S, T1548S, T1563S, T1587S.
Identifiers: ClinVar variation 825381 (VCV000825381.18), dbSNP rs774452090, ClinGen allele CA10591467.